The following is an entry in ClinVar:

NM_001374828.1(ARID1B):c.5769T>A (p.Val1923=)

Gene: ARID1B (AT-rich interaction domain 1B; plus strand). Cytogenetic location: 6q25.3.
Variant type: single nucleotide variant.
Coding change: c.5769T>A on transcript NM_001374828.1 (MANE Select); coding-DNA position 5769, T replaced by A.
Protein change: p.Val1923=; no amino-acid change (valine 1923 retained).
Molecular consequence: synonymous variant.
Genome position (GRCh38, 1-based): chr6:157,206,541, T>A. VCF-style: chr6-157206541-T-A. GRCh37 (hg19) VCF-style: chr6-157527675-T-A.
Other names: c.5520T>A, p.Val1840= (NM_001346813.1); c.3270T>A, p.Val1090= (NM_001363725.2); c.5649T>A, p.Val1883= (NM_001371656.1, NM_001374820.1); c.5610T>A, p.Val1870= (NM_017519.3); c.5400T>A, p.Val1800= (NM_020732.3); c.5187T>A, p.Val1729= (NM_175863.2).
Identifiers: ClinVar variation 2657071 (VCV002657071.24), dbSNP rs2538763868, ClinGen allele CA452978473.
Genomic context (GRCh38, chr6:157,206,541, plus strand): 5'-AGCCAGTAAGTTCGACAAGCTGCCAATAAAGATAGTCAAAAAGAACAACCTGTTTGTTGT[T>A]GACCGATCTGACAAGTTGGGGCGTGTGCAGGAGTTCAATAGTGGCCTTCTGCACTGGCAG-3'
Protein context (NP_001361757.1, residues 1913-1933): KIVKKNNLFV[Val1923=]DRSDKLGRVQ

ClinVar aggregate classification (germline): Likely benign (1 of 4 stars; one submission).

Allele frequency attached by ClinVar (database versions not stated): gnomAD exomes below 0.00001.
gnomAD v4.1: 1 of 1,614,176 alleles (0.000062%); highest among the groups gnomAD compares: Middle Eastern, 0.016%; no homozygotes.

Submission:

CeGaT Center for Human Genetics Tuebingen
Classification: Likely benign. Last evaluated: 2022-12-01. Review status: criteria provided, single submitter. Criteria: CeGaT Center For Human Genetics Tuebingen Variant Classification Criteria Version 2. Collection method: clinical testing. Allele origin: germline. Affected: yes. Observed: 1 variant allele.
Comment: ARID1B: PM2:Supporting, BP4, BP7